The following is an entry in ClinVar:

NM_003872.3(NRP2):c.664+7G>A

Gene: NRP2 (neuropilin 2; plus strand). Cytogenetic location: 2q33.3.
Variant type: single nucleotide variant.
Coding change: c.664+7G>A on transcript NM_003872.3 (MANE Select); 7 bases into the intron after coding-DNA position 664, G replaced by A.
Molecular consequence: intron variant.
Genome position (GRCh38, 1-based): chr2:205,722,715, G>A. VCF-style: chr2-205722715-G-A. GRCh37 (hg19) VCF-style: chr2-206587439-G-A.
Other names: c.664+7G>A (NM_201266.2, NM_201279.2, NM_018534.4 and 2 more transcripts).
Identifiers: ClinVar variation 3350587 (VCV003350587.1).

ClinVar aggregate classification (germline): Likely benign (0 of 4 stars; one submission).

Conditions:
NRP2-related disorder. Also called: NRP2-related condition.

gnomAD v4.1: 4 of 1,605,392 alleles (0.00025%); highest among the groups gnomAD compares: African/African-American, 0.0013%; no homozygotes.

Submission:

PreventionGenetics, part of Exact Sciences
Classification: Likely benign for NRP2-related condition. Last evaluated: 2021-12-02. Review status: no assertion criteria provided. Collection method: clinical testing. Allele origin: germline.
Comment: This variant is classified as likely benign based on ACMG/AMP sequence variant interpretation guidelines (Richards et al. 2015 PMID: 25741868, with internal and published modifications).